The following is an entry in ClinVar:

NM_001382391.1(CSPP1):c.2161C>G (p.Arg721Gly)

Gene: CSPP1 (centrosome and spindle pole associated protein 1; plus strand). Cytogenetic location: 8q13.2.
Variant type: single nucleotide variant.
Coding change: c.2161C>G on transcript NM_001382391.1 (MANE Select); coding-DNA position 2161, C replaced by G.
Protein change: p.Arg721Gly; replaces arginine 721 with glycine.
Molecular consequence: missense variant.
Genome position (GRCh38, 1-based): chr8:67,154,056, C>G. VCF-style: chr8-67154056-C-G. GRCh37 (hg19) VCF-style: chr8-68066291-C-G.
Other names: c.1111C>G, p.Arg371Gly (NM_001291339.2); c.2080C>G, p.Arg694Gly (NM_001363131.2); c.1966C>G, p.Arg656Gly (NM_001363132.2); c.1885C>G, p.Arg629Gly (NM_001363133.2); c.2227C>G, p.Arg743Gly (NM_001364869.1); c.2047C>G, p.Arg683Gly (NM_001364870.1); c.2146C>G, p.Arg716Gly (NM_024790.7); short protein forms R716G, R629G, R743G, R683G, R656G, R694G, R371G, R721G.
Identifiers: ClinVar variation 438593 (VCV000438593.1), dbSNP rs778822396, ClinGen allele CA371187738.
Genomic context (GRCh38, chr8:67,154,056, plus strand): 5'-TATGTTTTTGCAAAATATTTCTTTCAAGGTCATATGCAAACACAGAGCTCTCCTTTTGCT[C>G]GGGGAAATGTATTTGGTGAGCCTCCAACTGAACTTCAGATTAAACAGCAAGAATTATACA-3'
Protein context (NP_001369320.1, residues 711-731): HMQTQSSPFA[Arg721Gly]GNVFGEPPTE

ClinVar aggregate classification (germline): Uncertain significance (1 of 4 stars; one submission).

Conditions:
Joubert syndrome 21 (JBTS21). Identifiers: MedGen C3810212, MONDO:0014288, OMIM 615636.

gnomAD v4.1: 3 of 1,604,208 alleles (0.00019%); highest among the groups gnomAD compares: Non-Finnish European, 0.00026%; no homozygotes.

Submission:

Lupski Lab, Baylor-Hopkins CMG, Baylor College of Medicine
Classification: Uncertain significance for Joubert syndrome 21. Last evaluated: 2017-09-01. Review status: criteria provided, single submitter. Criteria: Wiszniewski et al. (Eur J Hum Genet. 2018). Collection method: research. Allele origin: inherited, unknown. Inheritance: Autosomal recessive inheritance. Affected: yes and no. Observed: 2 variant alleles.